The following is an entry in ClinVar:

ClinVar aggregate classification (germline): Uncertain significance (1 of 4 stars; one submission).

Conditions:
Hereditary cancer-predisposing syndrome. Also called: Tumor predisposition; Neoplastic Syndromes, Hereditary; Hereditary neoplastic syndrome; Hereditary Cancer Syndrome. Identifiers: Orphanet 140162, MedGen C0027672, MeSH D009386, MONDO:0015356.

Submission:

Ambry Genetics
Classification: Uncertain significance for Hereditary cancer-predisposing syndrome. Last evaluated: 2024-09-30. Review status: criteria provided, single submitter. Criteria: Ambry Variant Classification Scheme 2023. Collection method: clinical testing. Allele origin: germline.
Comment: The p.I281N variant (also known as c.842T>A), located in coding exon 7 of the TSC1 gene, results from a T to A substitution at nucleotide position 842. The isoleucine at codon 281 is replaced by asparagine, an amino acid with dissimilar properties. This amino acid position is conserved. In addition, this alteration is predicted to be tolerated by in silico analysis. Based on the available evidence, the clinical significance of this variant remains unclear.

NM_000368.5(TSC1):c.842T>A (p.Ile281Asn)

Gene: TSC1 (TSC complex subunit 1; minus strand). Cytogenetic location: 9q34.13.
Variant type: single nucleotide variant.
Coding change: c.842T>A on transcript NM_000368.5 (MANE Select); coding-DNA position 842, T replaced by A.
Protein change: p.Ile281Asn; replaces isoleucine 281 with asparagine.
Molecular consequence: missense variant. On other transcripts: 5 prime UTR variant (5), non-coding transcript variant (5).
Genome position (GRCh38, 1-based): chr9:132,912,353, A>T on the plus strand (T>A on the coding strand, the complement: TSC1 is on the minus strand). VCF-style: chr9-132912353-A-T. GRCh37 (hg19) VCF-style: chr9-135787740-A-T.
Other names: c.842T>A, p.Ile281Asn (NM_001162426.2, NM_001406592.1, NM_001406593.1 and 16 more transcripts); c.689T>A, p.Ile230Asn (NM_001162427.2, NM_001406610.1, NM_001406611.1 and 2 more transcripts); c.479T>A, p.Ile160Asn (NM_001362177.2, NM_001406614.1, NM_001406615.1 and 10 more transcripts); c.-110T>A (NM_001406626.1, NM_001406627.1, NM_001406628.1); c.-252T>A (NM_001406629.1, NM_001406630.1); short protein forms I160N, I281N, I230N.
Identifiers: ClinVar variation 3462478 (VCV003462478.1).